The following is an entry in ClinVar:

NM_004982.4(KCNJ8):c.956A>T (p.Gln319Leu)

Genes: KCNJ8 (potassium inwardly rectifying channel subfamily J member 8; minus strand), KCNJ8-AS1 (KCNJ8 antisense RNA 1; plus strand). Cytogenetic location: 12p12.1.
Variant type: single nucleotide variant.
Coding change: c.956A>T on transcript NM_004982.4 (MANE Select); coding-DNA position 956, A replaced by T.
Protein change: p.Gln319Leu; replaces glutamine 319 with leucine.
Molecular consequence: missense variant.
Genome position (GRCh38, 1-based): chr12:21,766,042, T>A on the plus strand (A>T on the coding strand, the complement: KCNJ8 is on the minus strand). VCF-style: chr12-21766042-T-A. GRCh37 (hg19) VCF-style: chr12-21918976-T-A.
Other names: short protein forms Q319L.
Identifiers: ClinVar variation 2864295 (VCV002864295.3), dbSNP rs2540720428, ClinGen allele CA384123217.

ClinVar aggregate classification (germline): Uncertain significance (1 of 4 stars; one submission).

Conditions:
Brugada syndrome. Also called: Sudden Unexplained Death Syndrome; Sudden Unexplained Nocturnal Death Syndrome (SUNDS); Sudden unexpected nocturnal death syndrome; Sudden unexplained nocturnal death syndrome. Identifiers: Orphanet 130, MedGen C1142166, MONDO:0015263.

Submission:

Labcorp Genetics (formerly Invitae), Labcorp
Classification: Uncertain significance for Brugada syndrome. Last evaluated: 2025-06-16. Review status: criteria provided, single submitter. Criteria: Invitae Variant Classification Sherloc (09022015). Collection method: clinical testing. Allele origin: germline.
Comment: This sequence change replaces glutamine, which is neutral and polar, with leucine, which is neutral and non-polar, at codon 319 of the KCNJ8 protein (p.Gln319Leu). This variant is not present in population databases (gnomAD no frequency). This variant has not been reported in the literature in individuals affected with KCNJ8-related conditions. ClinVar contains an entry for this variant (Variation ID: 2864295). Invitae Evidence Modeling of protein sequence and biophysical properties (such as structural, functional, and spatial information, amino acid conservation, physicochemical variation, residue mobility, and thermodynamic stability) indicates that this missense variant is not expected to disrupt KCNJ8 protein function with a negative predictive value of 95%. In summary, the available evidence is currently insufficient to determine the role of this variant in disease. Therefore, it has been classified as a Variant of Uncertain Significance.